The following is an entry in ClinVar:

ClinVar aggregate classification (germline): Uncertain significance. Review status: criteria provided, multiple submitters, no conflicts (2 of 4 stars). 2 submissions from 2 submitters: Uncertain significance (2). Last evaluated 2025-12-29.

Conditions:
Hereditary cancer-predisposing syndrome. Also called: Neoplastic Syndromes, Hereditary; Tumor predisposition; Hereditary Cancer Syndrome; Hereditary neoplastic syndrome. Identifiers: Orphanet 140162, MedGen C0027672, MeSH D009386, MONDO:0015356.

Submissions (2):

Center for Genomic Medicine, Rigshospitalet, Copenhagen University Hospital
Classification: Uncertain significance. Last evaluated: 2025-12-29. Review status: criteria provided, single submitter. Criteria: ACMG Guidelines, 2015. Collection method: clinical testing. Allele origin: germline.
Comment: Classification criteria: PM2_supporting

Ambry Genetics
Classification: Uncertain significance for Hereditary cancer-predisposing syndrome. Last evaluated: 2025-08-08. Review status: criteria provided, single submitter. Criteria: Ambry Variant Classification Scheme 2023. Collection method: clinical testing. Allele origin: germline.
Comment: The p.Q1171P variant (also known as c.3512A>C), located in coding exon 23 of the ATM gene, results from an A to C substitution at nucleotide position 3512. The glutamine at codon 1171 is replaced by proline, an amino acid with similar properties. This amino acid position is highly conserved in available vertebrate species. In addition, this alteration is predicted to be deleterious by in silico analysis. Based on the available evidence, the clinical significance of this variant remains unclear.

NM_000051.4(ATM):c.3512A>C (p.Gln1171Pro)

Gene: ATM (ATM serine/threonine kinase; plus strand). Cytogenetic location: 11q22.3.
Variant type: single nucleotide variant.
Coding change: c.3512A>C on transcript NM_000051.4 (MANE Select); coding-DNA position 3512, A replaced by C.
Protein change: p.Gln1171Pro; replaces glutamine 1171 with proline.
Molecular consequence: missense variant.
Genome position (GRCh38, 1-based): chr11:108,281,104, A>C. VCF-style: chr11-108281104-A-C. GRCh37 (hg19) VCF-style: chr11-108151831-A-C.
Other names: c.3512A>C, p.Gln1171Pro (NM_001351834.2); short protein forms Q1171P.
Identifiers: ClinVar variation 482633 (VCV000482633.8), dbSNP rs1555091325, ClinGen allele CA382519939.
Genomic context (GRCh38, chr11:108,281,104, plus strand): 5'-AATCTGTTTTACTGACGTTGATAGCTGTGGTTTTATCCTGTAGCCCTATCTGCGAAAAAC[A>C]GGCTTTGTTTGCCCTGTGTAAATCTGTGAAAGAGAATGGATTAGAACCTCACCTTGTGAA-3'
Protein context (NP_000042.3, residues 1161-1181): VLSCSPICEK[Gln1171Pro]ALFALCKSVK